The following is an entry in ClinVar:

ClinVar aggregate classification (germline): Likely benign (1 of 4 stars; one submission).

Allele frequency attached by ClinVar (database versions not stated): gnomAD exomes 0.00001.

Submission:

GeneDx
Classification: Likely benign. Last evaluated: 2017-08-04. Review status: criteria provided, single submitter. Criteria: GeneDx Variant Classification (06012015). Collection method: clinical testing. Allele origin: germline. Affected: yes.
Comment: This variant is considered likely benign or benign based on one or more of the following criteria: it is a conservative change, it occurs at a poorly conserved position in the protein, it is predicted to be benign by multiple in silico algorithms, and/or has population frequency not consistent with disease.

NM_016065.4(MRPS16):c.135C>T (p.Gly45=)

Genes: DNAJC9-AS1 (DNAJC9 and MRPS16 antisense RNA 1; plus strand), MRPS16 (mitochondrial ribosomal protein S16; minus strand). Cytogenetic location: 10q22.2.
Variant type: single nucleotide variant.
Coding change: c.135C>T on transcript NM_016065.4 (MANE Select); coding-DNA position 135, C replaced by T.
Protein change: p.Gly45=; no amino-acid change (glycine 45 retained).
Molecular consequence: synonymous variant.
Genome position (GRCh38, 1-based): chr10:73,251,902, G>A on the plus strand (C>T on the coding strand, the complement: MRPS16 is on the minus strand). VCF-style: chr10-73251902-G-A. GRCh37 (hg19) VCF-style: chr10-75011660-G-A.
Identifiers: ClinVar variation 510970 (VCV000510970.1), dbSNP rs1554867921, ClinGen allele CA470285611.